The following is an entry in ClinVar:

NM_014283.5(SUCO):c.410C>T (p.Ser137Phe)

Gene: SUCO (SUN domain containing ossification factor; plus strand). Cytogenetic location: 1q24.3.
Variant type: single nucleotide variant.
Coding change: c.410C>T on transcript NM_014283.5 (MANE Select); coding-DNA position 410, C replaced by T.
Protein change: p.Ser137Phe; replaces serine 137 with phenylalanine.
Molecular consequence: missense variant. On other transcripts: 5 prime UTR variant (1).
Genome position (GRCh38, 1-based): chr1:172,555,990, C>T. VCF-style: chr1-172555990-C-T. GRCh37 (hg19) VCF-style: chr1-172525130-C-T.
Other names: c.299C>T, p.Ser100Phe (NM_001282750.2); c.-1120C>T (NM_001282751.2); c.884C>T, p.Ser295Phe (NM_016227.4); short protein forms S100F, S137F, S295F.
Identifiers: ClinVar variation 2720665 (VCV002720665.3), dbSNP rs535247620, ClinGen allele CA1246543.

ClinVar aggregate classification (germline): Uncertain significance (1 of 4 stars; one submission).

Allele frequency attached by ClinVar (database versions not stated): gnomAD 0.00001; ExAC 0.00003; 1000 Genomes Project 30x 0.00016; 1000 Genomes Project 0.00020.
gnomAD v4.1: 1 of 1,613,198 alleles (0.000062%); highest among the groups gnomAD compares: East Asian, 0.0022%; no homozygotes.

Submission:

Labcorp Genetics (formerly Invitae), Labcorp
Classification: Uncertain significance. Last evaluated: 2023-08-25. Review status: criteria provided, single submitter. Criteria: Invitae Variant Classification Sherloc (09022015). Collection method: clinical testing. Allele origin: germline.
Comment: In summary, the available evidence is currently insufficient to determine the role of this variant in disease. Therefore, it has been classified as a Variant of Uncertain Significance. An algorithm developed to predict the effect of missense changes on protein structure and function (PolyPhen-2) suggests that this variant is likely to be disruptive. This variant has not been reported in the literature in individuals affected with SUCO-related conditions. This variant is present in population databases (rs535247620, gnomAD 0.02%). This sequence change replaces serine, which is neutral and polar, with phenylalanine, which is neutral and non-polar, at codon 137 of the SUCO protein (p.Ser137Phe).